The following is an entry in ClinVar:

ClinVar aggregate classification (germline): Uncertain significance (1 of 4 stars; one submission).

Conditions:
Episodic ataxia type 2 (EA2). Also called: ATAXIA, EPISODIC, WITH NYSTAGMUS; ATAXIA, FAMILIAL PAROXYSMAL; CEREBELLAR ATAXIA, PAROXYSMAL, ACETAZOLAMIDE-RESPONSIVE; CEREBELLOPATHY, HEREDITARY PAROXYSMAL; ACETAZOLAMIDE-RESPONSIVE HEREDITARY PAROXYSMAL CEREBELLAR ATAXIA; EPISODIC ATAXIA, NYSTAGMUS-ASSOCIATED. Identifiers: Orphanet 97, MedGen C1720416, MONDO:0007163, OMIM 108500.
Developmental and epileptic encephalopathy, 42 (DEE42A). Also called: Epileptic encephalopathy, early infantile, 42; DEVELOPMENTAL AND EPILEPTIC ENCEPHALOPATHY 42A; EPILEPTIC ENCEPHALOPATHY, EARLY INFANTILE, 42A. Identifiers: MedGen C4310716, MONDO:0014917, OMIM 617106.

Submission:

Labcorp Genetics (formerly Invitae), Labcorp
Classification: Uncertain significance for Developmental and epileptic encephalopathy, 42; Episodic ataxia type 2. Last evaluated: 2023-06-09. Review status: criteria provided, single submitter. Criteria: Invitae Variant Classification Sherloc (09022015). Collection method: clinical testing. Allele origin: germline.
Comment: This sequence change replaces leucine, which is neutral and non-polar, with valine, which is neutral and non-polar, at codon 911 of the CACNA1A protein (p.Leu911Val). This variant is not present in population databases (gnomAD no frequency). This variant has not been reported in the literature in individuals affected with CACNA1A-related conditions. ClinVar contains an entry for this variant (Variation ID: 2030746). Advanced modeling of protein sequence and biophysical properties (such as structural, functional, and spatial information, amino acid conservation, physicochemical variation, residue mobility, and thermodynamic stability) performed at Invitae indicates that this missense variant is not expected to disrupt CACNA1A protein function. In summary, the available evidence is currently insufficient to determine the role of this variant in disease. Therefore, it has been classified as a Variant of Uncertain Significance.

NM_001127222.2(CACNA1A):c.2728C>G (p.Leu910Val)

Gene: CACNA1A (calcium voltage-gated channel subunit alpha1 A; minus strand). Cytogenetic location: 19p13.13.
Variant type: single nucleotide variant.
Coding change: c.2728C>G on transcript NM_001127222.2 (MANE Select); coding-DNA position 2728, C replaced by G.
Protein change: p.Leu910Val; replaces leucine 910 with valine.
Molecular consequence: missense variant.
Genome position (GRCh38, 1-based): chr19:13,298,905, G>C on the plus strand (C>G on the coding strand, the complement: CACNA1A is on the minus strand). VCF-style: chr19-13298905-G-C. GRCh37 (hg19) VCF-style: chr19-13409719-G-C.
Other names: c.2740C>G, p.Leu914Val (NM_000068.4, NM_023035.3); c.2731C>G, p.Leu911Val (NM_001127221.2, NM_001174080.2); short protein forms L911V, L910V, L914V.
Identifiers: ClinVar variation 2030746 (VCV002030746.4), dbSNP rs760439653, ClinGen allele CA404342836.